The following is an entry in ClinVar:

NM_201384.3(PLEC):c.8489A>G (p.Tyr2830Cys)

Gene: PLEC (plectin; minus strand). Cytogenetic location: 8q24.3.
Variant type: single nucleotide variant.
Coding change: c.8489A>G on transcript NM_201384.3 (MANE Select); coding-DNA position 8489, A replaced by G.
Protein change: p.Tyr2830Cys; replaces tyrosine 2830 with cysteine.
Molecular consequence: missense variant.
Genome position (GRCh38, 1-based): chr8:143,921,332, T>C on the plus strand (A>G on the coding strand, the complement: PLEC is on the minus strand). VCF-style: chr8-143921332-T-C. GRCh37 (hg19) VCF-style: chr8-144995500-T-C.
Other names: p.Tyr2816Cys; c.8570A>G, p.Tyr2857Cys (NM_000445.5); c.8447A>G, p.Tyr2816Cys (NM_201378.4); c.8423A>G, p.Tyr2808Cys (NM_201379.3); c.8900A>G, p.Tyr2967Cys (NM_201380.4); c.8393A>G, p.Tyr2798Cys (NM_201381.3); c.8489A>G, p.Tyr2830Cys (NM_201382.4); c.8501A>G, p.Tyr2834Cys (NM_201383.3); short protein forms Y2798C, Y2808C, Y2816C, Y2830C, Y2834C, Y2857C, Y2967C.
Identifiers: ClinVar variation 256179 (VCV000256179.42), dbSNP rs199720608, ClinGen allele CA4925292.

ClinVar aggregate classification (germline): Benign/Likely benign. Review status: criteria provided, multiple submitters, no conflicts (2 of 4 stars). 7 submissions from 7 submitters: Benign (5); Likely benign (2). Last evaluated 2026-09-01.

Conditions:
Epidermolysis bullosa simplex with nail dystrophy (EBS5D). Identifiers: MedGen C4225309, MONDO:0014661, OMIM 616487.
Junctional epidermolysis bullosa with pyloric atresia. Also called: EPIDERMOLYSIS BULLOSA, JUNCTIONAL 5B, WITH PYLORIC ATRESIA; APLASIA CUTIS CONGENITA WITH GASTROINTESTINAL ATRESIA; CARMI SYNDROME; EB-PA-ACC; Junctional Epidermolysis Bullosa- Pyloric Atresia Syndrome; ITGB4-Related Epidermolysis Bullosa with Pyloric Atresia. Identifiers: Orphanet 79403, MedGen C5676875, MONDO:0009183, OMIM 226730.
Epidermolysis bullosa simplex 5C, with pyloric atresia (EBS5C). Also called: PLEC-Related Epidermolysis Bullosa with Pyloric Atresia; PLEC1-Related Epidermolysis Bullosa with Pyloric Atresia; Epidermolysis bullosa simplex with pyloric atresia. Identifiers: Orphanet 158684, MedGen C2677349, MONDO:0012807, OMIM 612138.
Autosomal recessive limb-girdle muscular dystrophy type 2Q (LGMDR17). Also called: MUSCULAR DYSTROPHY, LIMB-GIRDLE, AUTOSOMAL RECESSIVE 17. Identifiers: Orphanet 254361, MedGen C3150989, MONDO:0013390, OMIM 613723.
Epidermolysis bullosa simplex, Ogna type (EBS5A). Also called: Pidermolysis bullosa simplex 5A, Ogna type; EPIDERMOLYSIS BULLOSA SIMPLEX 5A, OGNA TYPE. Identifiers: Orphanet 79401, MedGen C0432317, MONDO:0007555, OMIM 131950.
Epidermolysis bullosa simplex 5B, with muscular dystrophy (EBS5B). Also called: EPIDERMOLYSIS BULLOSA SIMPLEX AND LIMB-GIRDLE MUSCULAR DYSTROPHY; Epidermolysis bullosa simplex with muscular dystrophy. Identifiers: Orphanet 257, MedGen C2931072, MONDO:0009181, OMIM 226670.

Allele frequency attached by ClinVar (database versions not stated): 1000 Genomes Project 0.00319; 1000 Genomes Project 30x 0.00328; TOPMed 0.00772; gnomAD 0.00874 and 0.00920; ESP Exome Variant Server 0.00889; gnomAD exomes 0.00907 and 0.01241; ExAC 0.00954.
gnomAD v4.1: 19,340 of 1,613,818 alleles (1.2%); highest among the groups gnomAD compares: Non-Finnish European, 1.4%; 143 homozygotes.

Submissions (7):

CeGaT Center for Human Genetics Tuebingen
Classification: Benign. Last evaluated: 2026-09-01. Review status: criteria provided, single submitter. Criteria: CeGaT Center For Human Genetics Tuebingen Variant Classification Criteria Version 2. Collection method: clinical testing. Allele origin: germline. Affected: yes. Observed: 27 variant alleles.
Comment: PLEC: BS1, BS2

Labcorp Genetics (formerly Invitae), Labcorp
Classification: Benign for Autosomal recessive limb-girdle muscular dystrophy type 2Q; Epidermolysis bullosa simplex, Ogna type; Epidermolysis bullosa simplex with nail dystrophy; Epidermolysis bullosa simplex 5C, with pyloric atresia; Epidermolysis bullosa simplex 5B, with muscular dystrophy. Last evaluated: 2026-02-01. Review status: criteria provided, single submitter. Criteria: Invitae Variant Classification Sherloc (09022015). Collection method: clinical testing. Allele origin: germline.

Athena Diagnostics
Classification: Benign. Last evaluated: 2024-05-07. Review status: criteria provided, single submitter. Criteria: Athena Diagnostics Criteria. Collection method: clinical testing. Allele origin: unknown.

Fulgent Genetics
Classification: Likely benign for Epidermolysis bullosa simplex, Ogna type; Epidermolysis bullosa simplex 5B, with muscular dystrophy; Junctional epidermolysis bullosa with pyloric atresia; Epidermolysis bullosa simplex 5C, with pyloric atresia; Autosomal recessive limb-girdle muscular dystrophy type 2Q; Epidermolysis bullosa simplex with nail dystrophy. Last evaluated: 2021-07-07. Review status: criteria provided, single submitter. Criteria: ACMG Guidelines, 2015. Collection method: clinical testing. Allele origin: unknown.

Mayo Clinic Laboratories, Mayo Clinic
Classification: Benign. Last evaluated: 2018-03-14. Review status: criteria provided, single submitter. Criteria: ACMG Guidelines, 2015. Collection method: clinical testing. Allele origin: germline. Observed: 27 variant alleles.

GeneDx
Classification: Benign. Last evaluated: 2015-03-03. Review status: criteria provided, single submitter. Criteria: GeneDx Variant Classification Process June 2021. Collection method: clinical testing. Allele origin: germline. Affected: yes.

PreventionGenetics, part of Exact Sciences
Classification: Likely benign. Review status: criteria provided, single submitter. Criteria: ACMG Guidelines, 2015. Collection method: clinical testing. Allele origin: germline.

Literature cited by the submitters: PubMed 33960018 (cited by Athena Diagnostics); PubMed 29334134 (cited by Athena Diagnostics); PubMed 29970176 (cited by Athena Diagnostics).